The following is an entry in ClinVar:

NM_024408.4(NOTCH2):c.2602C>G (p.Gln868Glu)

Gene: NOTCH2 (notch receptor 2; minus strand). Cytogenetic location: 1p12.
Variant type: single nucleotide variant.
Coding change: c.2602C>G on transcript NM_024408.4 (MANE Select); coding-DNA position 2602, C replaced by G.
Protein change: p.Gln868Glu; replaces glutamine 868 with glutamic acid.
Molecular consequence: missense variant.
Genome position (GRCh38, 1-based): chr1:119,948,564, G>C on the plus strand (C>G on the coding strand, the complement: NOTCH2 is on the minus strand). VCF-style: chr1-119948564-G-C. GRCh37 (hg19) VCF-style: chr1-120491187-G-C.
Other names: c.2602C>G, p.Gln868Glu (NM_001200001.2); short protein forms Q868E.
Identifiers: ClinVar variation 1372394 (VCV001372394.6), dbSNP rs2101114714, ClinGen allele CA341858661.

ClinVar aggregate classification (germline): Uncertain significance (1 of 4 stars; one submission).

Conditions:
Hajdu-Cheney syndrome (HJCYS). Also called: ACROOSTEOLYSIS WITH OSTEOPOROSIS AND CHANGES IN SKULL AND MANDIBLE; SERPENTINE FIBULA-POLYCYSTIC KIDNEY SYNDROME; Acroosteolysis dominant type. Identifiers: Orphanet 955, MedGen C0917715, MONDO:0007057, OMIM 102500.

Submission:

Labcorp Genetics (formerly Invitae), Labcorp
Classification: Uncertain significance for Hajdu-Cheney syndrome. Last evaluated: 2021-11-02. Review status: criteria provided, single submitter. Criteria: Invitae Variant Classification Sherloc (09022015). Collection method: clinical testing. Allele origin: germline.
Comment: This variant has not been reported in the literature in individuals affected with NOTCH2-related conditions. In summary, the available evidence is currently insufficient to determine the role of this variant in disease. Therefore, it has been classified as a Variant of Uncertain Significance. Algorithms developed to predict the effect of missense changes on protein structure and function (SIFT, PolyPhen-2, Align-GVGD) all suggest that this variant is likely to be tolerated. This variant is not present in population databases (gnomAD no frequency). This sequence change replaces glutamine, which is neutral and polar, with glutamic acid, which is acidic and polar, at codon 868 of the NOTCH2 protein (p.Gln868Glu).